The following is an entry in ClinVar:

NM_001172509.2(SATB2):c.2189T>C (p.Ile730Thr)

Genes: SATB2 (SATB homeobox 2; minus strand), LOC126806462 (MED14-independent group 3 enhancer GRCh37_chr2:200136608-200137807; plus strand). Cytogenetic location: 2q33.1.
Variant type: single nucleotide variant.
Coding change: c.2189T>C on transcript NM_001172509.2 (MANE Select); coding-DNA position 2189, T replaced by C.
Protein change: p.Ile730Thr; replaces isoleucine 730 with threonine.
Molecular consequence: missense variant.
Genome position (GRCh38, 1-based): chr2:199,272,224, A>G on the plus strand (T>C on the coding strand, the complement: SATB2 is on the minus strand). VCF-style: chr2-199272224-A-G. GRCh37 (hg19) VCF-style: chr2-200136947-A-G.
Other names: c.2189T>C, p.Ile730Thr (NM_001172517.1, NM_015265.4); short protein forms I730T.
Identifiers: ClinVar variation 660219 (VCV000660219.9), dbSNP rs373319001, ClinGen allele CA2045741.

ClinVar aggregate classification (germline): Uncertain significance (1 of 4 stars; one submission).

Conditions:
Chromosome 2q32-q33 deletion syndrome (GLASS). Also called: Glass syndrome; 2q33.1 deletion syndrome. Identifiers: Orphanet 251019, MedGen C2676739, MONDO:0012864, OMIM 612313.

Allele frequency attached by ClinVar (database versions not stated): TOPMed 0.00001.
gnomAD v4.1: 5 of 1,614,130 alleles (0.00031%); highest among the groups gnomAD compares: East Asian, 0.011%; no homozygotes.

Submission:

Labcorp Genetics (formerly Invitae), Labcorp
Classification: Uncertain significance for Chromosome 2q32-q33 deletion syndrome. Last evaluated: 2025-08-25. Review status: criteria provided, single submitter. Criteria: Invitae Variant Classification Sherloc (09022015). Collection method: clinical testing. Allele origin: germline.
Comment: This sequence change replaces isoleucine, which is neutral and non-polar, with threonine, which is neutral and polar, at codon 730 of the SATB2 protein (p.Ile730Thr). This variant is present in population databases (rs373319001, gnomAD 0.02%). This variant has not been reported in the literature in individuals affected with SATB2-related conditions. ClinVar contains an entry for this variant (Variation ID: 660219). Invitae Evidence Modeling incorporating data from in vitro experimental studies (internal data) indicates that this missense variant is not expected to disrupt SATB2 function with a negative predictive value of 95%. In summary, the available evidence is currently insufficient to determine the role of this variant in disease. Therefore, it has been classified as a Variant of Uncertain Significance.